The following is an entry in ClinVar:

NM_004064.5(CDKN1B):c.*956C>A

Gene: CDKN1B (cyclin dependent kinase inhibitor 1B; plus strand). Cytogenetic location: 12p13.1.
Variant type: single nucleotide variant.
Coding change: c.*956C>A on transcript NM_004064.5 (MANE Select); 956 bases downstream of the stop codon, C replaced by A.
Molecular consequence: 3 prime UTR variant.
Genome position (GRCh38, 1-based): chr12:12,721,983, C>A. VCF-style: chr12-12721983-C-A. GRCh37 (hg19) VCF-style: chr12-12874917-C-A.
Identifiers: ClinVar variation 307688 (VCV000307688.6), dbSNP rs7330, ClinGen allele CA10636826.

ClinVar aggregate classification (germline): Benign. Review status: criteria provided, multiple submitters, no conflicts (2 of 4 stars). 2 submissions from 2 submitters: Benign (2). Last evaluated 2018-01-12.

Conditions:
Multiple endocrine neoplasia type 4. Also called: MULTIPLE ENDOCRINE NEOPLASIA, TYPE IV. Identifiers: Orphanet 276152, MedGen C1970712, MONDO:0012552, OMIM 610755.

Allele frequency attached by ClinVar (database versions not stated): TOPMed 0.54853; gnomAD 0.55098 and 0.56237; 1000 Genomes Project 30x 0.61665; 1000 Genomes Project 0.62560.

Submissions (2):

Illumina Laboratory Services, Illumina
Classification: Benign for Multiple endocrine neoplasia type 4. Last evaluated: 2018-01-12. Review status: criteria provided, single submitter. Criteria: ICSL Variant Classification Criteria 13 December 2019. Collection method: clinical testing. Allele origin: germline.
Comment: This variant was observed in the ICSL laboratory as part of a predisposition screen in an ostensibly healthy population. It had not been previously curated by ICSL or reported in the Human Gene Mutation Database (HGMD: prior to June 1st, 2018), and was therefore a candidate for classification through an automated scoring system. Utilizing variant allele frequency, disease prevalence and penetrance estimates, and inheritance mode, an automated score was calculated to assess if this variant is too frequent to cause the disease. Based on the score and internal cut-off values, a variant classified as benign is not then subjected to further curation. The score for this variant resulted in a classification of benign for this disease.

Breakthrough Genomics
Classification: Benign. Review status: criteria provided, single submitter. Criteria: ACMG Guidelines, 2015. Collection method: not provided. Allele origin: germline. Inheritance: Autosomal dominant inheritance. Affected: yes.